The following is an entry in ClinVar:

ClinVar aggregate classification (germline): Uncertain significance (1 of 4 stars; one submission).

Submission:

Labcorp Genetics (formerly Invitae), Labcorp
Classification: Uncertain significance. Last evaluated: 2025-11-02. Review status: criteria provided, single submitter. Criteria: Invitae Variant Classification Sherloc (09022015). Collection method: clinical testing. Allele origin: germline.
Comment: This variant, c.892_894del, results in the deletion of 1 amino acid(s) of the SNX14 protein (p.Ile298del), but otherwise preserves the integrity of the reading frame. This variant is present in population databases (no rsID available, gnomAD 0.01%). This variant has not been reported in the literature in individuals affected with SNX14-related conditions. Experimental studies and prediction algorithms are not available or were not evaluated, and the functional significance of this variant is currently unknown. In summary, the available evidence is currently insufficient to determine the role of this variant in disease. Therefore, it has been classified as a Variant of Uncertain Significance.

NM_153816.6(SNX14):c.889ATC[1] (p.Ile298del)

Gene: SNX14 (sorting nexin 14; minus strand). Cytogenetic location: 6q14.3.
Variant type: Microsatellite.
Coding change: c.889ATC[1] on transcript NM_153816.6 (MANE Select); one copy of the 3-base unit ATC starting at c.889; the reference has two copies in a row; one copy, 3 bases deleted.
Protein change: p.Ile298del; deletes isoleucine 298.
Molecular consequence: 5 prime UTR variant (on NM_001350547.2). On other transcripts: non-coding transcript variant (6).
Genome position (GRCh38, 1-based): chr6:85,547,524-85,547,526, GAT deleted on the plus strand (ATC on the coding strand, the reverse complement: SNX14 is on the minus strand); deleting any 3 consecutive bases within chr6:85,547,524-85,547,529 gives the same sequence; the position shown is the placement nearest the transcript's 3' end. VCF-style (leftmost placement, unchanged base first): chr6-85547523-AGAT-A. GRCh37 (hg19) VCF-style: chr6-86257241-AGAT-A.
Other names: c.952ATC[1], p.Ile319del (NM_001350532.2); c.886ATC[1], p.Ile297del (NM_001350533.2, NM_001350534.2, NM_001350535.2); c.757ATC[1], p.Ile254del (NM_001350536.2, NM_020468.6); c.754ATC[1], p.Ile253del (NM_001350537.2); c.745ATC[1], p.Ile250del (NM_001350538.2); c.730ATC[1], p.Ile245del (NM_001350539.2); c.889ATC[1], p.Ile298del (NM_001350540.2, NM_001350541.2, NM_001297614.3); c.733ATC[1], p.Ile246del (NM_001304479.2); and 7 more; short protein forms I198del, I245del, I298del, I250del, I254del, I150del, I202del, I201del.
Identifiers: ClinVar variation 4761067 (VCV004761067.1).